The following is an entry in ClinVar:

NM_001458.5(FLNC):c.4970G>T (p.Arg1657Leu)

Gene: FLNC (filamin C; plus strand). Cytogenetic location: 7q32.1.
Variant type: single nucleotide variant.
Coding change: c.4970G>T on transcript NM_001458.5 (MANE Select); coding-DNA position 4970, G replaced by T.
Protein change: p.Arg1657Leu; replaces arginine 1657 with leucine.
Molecular consequence: missense variant.
Genome position (GRCh38, 1-based): chr7:128,849,349, G>T. VCF-style: chr7-128849349-G-T. GRCh37 (hg19) VCF-style: chr7-128489403-G-T.
Other names: c.4970G>T, p.Arg1657Leu (NM_001127487.2); short protein forms R1657L.
Identifiers: ClinVar variation 2932429 (VCV002932429.3), dbSNP rs374294752, ClinGen allele CA369203899.

ClinVar aggregate classification (germline): Uncertain significance (1 of 4 stars; one submission).

Conditions:
Hypertrophic cardiomyopathy 26. Also called: Cardiomyopathy, familial hypertrophic, 26. Identifiers: Orphanet 75249, MedGen C4310749, MONDO:0014883, OMIM 617047.
Myofibrillar myopathy 5. Also called: Filaminopathy (type); FILAMINOPATHY, AUTOSOMAL DOMINANT. Identifiers: Orphanet 171445, MedGen C1836050, MONDO:0012289, OMIM 609524.
Distal myopathy with posterior leg and anterior hand involvement. Also called: WILLIAMS DISTAL MYOPATHY. Identifiers: Orphanet 63273, MedGen C3279722, MONDO:0013550, OMIM 614065.

Submission:

Labcorp Genetics (formerly Invitae), Labcorp
Classification: Uncertain significance for Distal myopathy with posterior leg and anterior hand involvement; Myofibrillar myopathy 5; Hypertrophic cardiomyopathy 26. Last evaluated: 2025-07-03. Review status: criteria provided, single submitter. Criteria: Invitae Variant Classification Sherloc (09022015). Collection method: clinical testing. Allele origin: germline.
Comment: This sequence change replaces arginine, which is basic and polar, with leucine, which is neutral and non-polar, at codon 1657 of the FLNC protein (p.Arg1657Leu). This variant is not present in population databases (gnomAD no frequency). This variant has not been reported in the literature in individuals affected with FLNC-related conditions. ClinVar contains an entry for this variant (Variation ID: 2932429). Invitae Evidence Modeling of protein sequence and biophysical properties (such as structural, functional, and spatial information, amino acid conservation, physicochemical variation, residue mobility, and thermodynamic stability) has been performed for this missense variant. However, the output from this modeling did not meet the statistical confidence thresholds required to predict the impact of this variant on FLNC protein function. In summary, the available evidence is currently insufficient to determine the role of this variant in disease. Therefore, it has been classified as a Variant of Uncertain Significance.